The following is an entry in ClinVar:

ClinVar aggregate classification (germline): Uncertain significance (1 of 4 stars; one submission).

Conditions:
Hereditary cancer-predisposing syndrome. Also called: Neoplastic Syndromes, Hereditary; Tumor predisposition; Hereditary neoplastic syndrome; Hereditary Cancer Syndrome. Identifiers: Orphanet 140162, MedGen C0027672, MeSH D009386, MONDO:0015356.

Allele frequency attached by ClinVar (database versions not stated): gnomAD exomes below 0.00001.

Submission:

Ambry Genetics
Classification: Uncertain significance for Hereditary cancer-predisposing syndrome. Last evaluated: 2023-03-11. Review status: criteria provided, single submitter. Criteria: Ambry Variant Classification Scheme 2023. Collection method: clinical testing. Allele origin: germline.
Comment: The p.C120F variant (also known as c.359G>T), located in coding exon 2 of the BLM gene, results from a G to T substitution at nucleotide position 359. The cysteine at codon 120 is replaced by phenylalanine, an amino acid with highly dissimilar properties. This amino acid position is conserved. In addition, this alteration is predicted to be tolerated by in silico analysis. Since supporting evidence is limited at this time, the clinical significance of this alteration remains unclear.

NM_000057.4(BLM):c.359G>T (p.Cys120Phe)

Gene: BLM (BLM RecQ like helicase; plus strand). Cytogenetic location: 15q26.1.
Variant type: single nucleotide variant.
Coding change: c.359G>T on transcript NM_000057.4 (MANE Select); coding-DNA position 359, G replaced by T.
Protein change: p.Cys120Phe; replaces cysteine 120 with phenylalanine.
Molecular consequence: missense variant. On other transcripts: 5 prime UTR variant (1).
Genome position (GRCh38, 1-based): chr15:90,749,627, G>T. VCF-style: chr15-90749627-G-T. GRCh37 (hg19) VCF-style: chr15-91292857-G-T.
Other names: c.359G>T, p.Cys120Phe (NM_001287246.2, NM_001287247.2); c.-933G>T (NM_001287248.2); short protein forms C120F.
Identifiers: ClinVar variation 2452580 (VCV002452580.2), dbSNP rs2151147188, ClinGen allele CA393840384.
Genomic context (GRCh38, chr15:90,749,627, plus strand): 5'-AGAGAGGTGGATCAAAATCATTATTGCCAGATTTCTTGCAGACTCCGAAGGAAGTTGTAT[G>T]CACTACCCAAAACACACCAACTGTAAAGAAATCCCGGGATACTGCTCTCAAGAAATTAGA-3'
Protein context (NP_000048.1, residues 110-130): DFLQTPKEVV[Cys120Phe]TTQNTPTVKK